The following is an entry in ClinVar:

ClinVar aggregate classification (germline): Uncertain significance (1 of 4 stars; one submission).

Conditions:
Multiple endocrine neoplasia, type 2 (MEN2). Identifiers: Orphanet 653, MedGen C4048306, MONDO:0019003. Disease mechanism: gain of function.

Submission:

Labcorp Genetics (formerly Invitae), Labcorp
Classification: Uncertain significance for Multiple endocrine neoplasia, type 2. Last evaluated: 2025-11-09. Review status: criteria provided, single submitter. Criteria: Invitae Variant Classification Sherloc (09022015). Collection method: clinical testing. Allele origin: germline.
Comment: This sequence change replaces valine, which is neutral and non-polar, with glycine, which is neutral and non-polar, at codon 1010 of the RET protein (p.Val1010Gly). This variant is not present in population databases (gnomAD no frequency). This variant has not been reported in the literature in individuals affected with RET-related conditions. An algorithm developed to predict the effect of missense changes on protein structure and function (PolyPhen-2) suggests that this variant is likely to be disruptive. Algorithms developed to predict the effect of sequence changes on RNA splicing suggest that this variant may disrupt the consensus splice site. In summary, the available evidence is currently insufficient to determine the role of this variant in disease. Therefore, it has been classified as a Variant of Uncertain Significance.

NM_020975.6(RET):c.3029T>G (p.Val1010Gly)

Gene: RET (ret proto-oncogene; plus strand). Cytogenetic location: 10q11.21.
Variant type: single nucleotide variant.
Coding change: c.3029T>G on transcript NM_020975.6 (MANE Select); coding-DNA position 3029, T replaced by G.
Protein change: p.Val1010Gly; replaces valine 1010 with glycine.
Molecular consequence: missense variant.
Genome position (GRCh38, 1-based): chr10:43,124,972, T>G. VCF-style: chr10-43124972-T-G. GRCh37 (hg19) VCF-style: chr10-43620420-T-G.
Other names: c.2303T>G, p.Val768Gly (NM_001406775.1, NM_001406776.1, NM_001406777.1 and 1 more transcripts); c.2132T>G, p.Val711Gly (NM_001406779.1, NM_001406780.1, NM_001406781.1 and 1 more transcripts); c.2003T>G, p.Val668Gly (NM_001406783.1, NM_001406786.1); c.1580T>G, p.Val527Gly (NM_001406794.1, NM_001406792.1, NM_001406793.1); c.3029T>G, p.Val1010Gly (NM_020630.7, NM_001406743.1, NM_001406744.1 and 2 more transcripts); c.2741T>G, p.Val914Gly (NM_001406766.1, NM_001406767.1, NM_001406770.1); c.2765T>G, p.Val922Gly (NM_001406768.1); c.2633T>G, p.Val878Gly (NM_001406769.1, NM_001406772.1); and 10 more; short protein forms V666G, V680G, V967G, V575G, V671G, V768G, V835G, V922G.
Identifiers: ClinVar variation 4775643 (VCV004775643.1).